The following is an entry in ClinVar:

ClinVar aggregate classification (germline): Uncertain significance. Review status: criteria provided, multiple submitters, no conflicts (2 of 4 stars). 6 submissions from 6 submitters: Uncertain significance (3). 3 of the submissions do not count toward it. Last evaluated 2024-12-02.

Conditions:
GNPTG-mucolipidosis. Also called: ML III GAMMA; ML IIIC; Mucolipidosis type III gamma; MUCOLIPIDOSIS III, COMPLEMENTATION GROUP C; MUCOLIPIDOSIS III, IRANIAN VARIANT FORM; MUCOLIPIDOSIS III, VARIANT FORM. Identifiers: Orphanet 423470, Orphanet 577, MedGen C1854896, MONDO:0009652, OMIM 252605.

Allele frequency attached by ClinVar (database versions not stated): gnomAD exomes 0.00002 and 0.00003; TOPMed 0.00003; ExAC 0.00005; gnomAD 0.00005 and 0.00006.
gnomAD v4.1: 35 of 1,581,770 alleles (0.0022%); highest among the groups gnomAD compares: African/African-American, 0.0054%; no homozygotes.

Submissions (6):

Labcorp Genetics (formerly Invitae), Labcorp
Classification: Uncertain significance. Last evaluated: 2024-12-02. Review status: criteria provided, single submitter. Criteria: Invitae Variant Classification Sherloc (09022015). Collection method: clinical testing. Allele origin: germline.
Comment: This sequence change replaces alanine, which is neutral and non-polar, with glutamic acid, which is acidic and polar, at codon 25 of the GNPTG protein (p.Ala25Glu). The frequency data for this variant in the population databases is considered unreliable, as metrics indicate poor data quality at this position in the gnomAD database. This variant has not been reported in the literature in individuals affected with GNPTG-related conditions. ClinVar contains an entry for this variant (Variation ID: 68108). Invitae Evidence Modeling of protein sequence and biophysical properties (such as structural, functional, and spatial information, amino acid conservation, physicochemical variation, residue mobility, and thermodynamic stability) indicates that this missense variant is not expected to disrupt GNPTG protein function with a negative predictive value of 80%. In summary, the available evidence is currently insufficient to determine the role of this variant in disease. Therefore, it has been classified as a Variant of Uncertain Significance.

Women's Health and Genetics/Laboratory Corporation of America, LabCorp
Classification: Uncertain significance. Last evaluated: 2023-12-08. Review status: criteria provided, single submitter. Criteria: LabCorp Variant Classification Summary - May 2015. Collection method: clinical testing. Allele origin: germline.
Comment: Variant summary: GNPTG c.74C>A (p.Ala25Glu) results in a non-conservative amino acid change in the encoded protein sequence. Four of five in-silico tools predict a benign effect of the variant on protein function. The variant allele was found at a frequency of 2.6e-05 in 192372 control chromosomes (gnomAD). The available data on variant occurrences in the general population are insufficient to allow any conclusion about variant significance. c.74C>A has been reported in the literature in individuals affected with stuttering with non-informative genotype (example: Kang_2010). This report does not provide unequivocal conclusions about association of the variant with Mucolipidosis III Gamma. To our knowledge, no experimental evidence demonstrating an impact on protein function has been reported. The following publication has been ascertained in the context of this evaluation (PMID: 20147709). Four submitters have cited clinical-significance assessments for this variant to ClinVar after 2014. All submitters classified the variant as uncertain significance. Based on the evidence outlined above, the variant was classified as uncertain significance.

Genome-Nilou Lab
Classification: Uncertain significance for GNPTG-mucolipidosis. Last evaluated: 2021-11-07. Review status: criteria provided, single submitter. Criteria: ACMG Guidelines, 2015. Collection method: clinical testing. Allele origin: germline. Affected: no.

Natera, Inc.
Classification: Uncertain significance for Mucolipidosis III gamma. Last evaluated: 2020-02-18. Review status: no assertion criteria provided. Collection method: clinical testing. Allele origin: germline. Not counted in ClinVar's aggregate classification.

Counsyl
Classification: Uncertain significance for GNPTG-mucolipidosis. Last evaluated: 2017-03-08. Review status: no assertion criteria provided. Collection method: clinical testing. Allele origin: unknown. Not counted in ClinVar's aggregate classification.

SNPedia
No classification provided. Review status: no classification provided. Collection method: not provided. Allele origin: germline. Not counted in ClinVar's aggregate classification.

Literature cited by the submitters: PubMed 20147709 (cited by Women's Health and Genetics/Laboratory Corporation of America, LabCorp); PubMed 26130485 (cited by Counsyl).

NM_032520.5(GNPTG):c.74C>A (p.Ala25Glu)

Genes: GNPTG (N-acetylglucosamine-1-phosphate transferase subunit gamma; plus strand), LOC130058158 (ATAC-STARR-seq lymphoblastoid silent region 6972; plus strand). Cytogenetic location: 16p13.3.
Variant type: single nucleotide variant.
Coding change: c.74C>A on transcript NM_032520.5 (MANE Select); coding-DNA position 74, C replaced by A.
Protein change: p.Ala25Glu; replaces alanine 25 with glutamic acid.
Molecular consequence: missense variant.
Genome position (GRCh38, 1-based): chr16:1,352,123, C>A. VCF-style: chr16-1352123-C-A. GRCh37 (hg19) VCF-style: chr16-1402124-C-A.
Other names: short protein forms A25E.
Identifiers: ClinVar variation 68108 (VCV000068108.12), dbSNP rs137853826, ClinGen allele CA284845.